The following is an entry in ClinVar:

ClinVar aggregate classification (germline): Uncertain significance (1 of 4 stars; one submission).

Conditions:
Pervasive developmental disorder. Also called: Rare pervasive developmental disorder. Identifiers: Orphanet 168778, MedGen C0524528, MONDO:0000594.

Submission:

Broad Center for Mendelian Genomics, Broad Institute of MIT and Harvard
Classification: Uncertain significance for Pervasive developmental disorder. Last evaluated: 2024-11-25. Review status: criteria provided, single submitter. Criteria: ACMG Guidelines, 2015. Collection method: curation. Allele origin: germline. Inheritance: Autosomal dominant inheritance. Study: GREGoR Consortium.
Comment: While this gene is still lacking sufficient evidence to establish a gene-disease relationship, we believe this is a possible novel gene candidate for pervasive developmental disorder. Given the limited information about this gene-disease relationship, the significance of the c.*4461C>T variant is uncertain. If you have any additional information about functional evidence or other individuals with this phenotype that also have variants in HELZ we encourage you to reach out to us.

NM_014877.4(HELZ):c.*4461C>T

Gene: HELZ (helicase with zinc finger; minus strand). Cytogenetic location: 17q24.2.
Variant type: single nucleotide variant.
Coding change: c.*4461C>T on transcript NM_014877.4 (MANE Select); 4461 bases downstream of the stop codon, C replaced by T.
Molecular consequence: 3 prime UTR variant.
Genome position (GRCh38, 1-based): chr17:67,073,791, G>A on the plus strand (C>T on the coding strand, the complement: HELZ is on the minus strand). VCF-style: chr17-67073791-G-A. GRCh37 (hg19) VCF-style: chr17-65069907-G-A.
Other names: NM_001330447.2:c.*4461C>T; c.*4461C>T (NM_001330447.2).
Identifiers: ClinVar variation 3383297 (VCV003383297.1).